The following is an entry in ClinVar:

ClinVar aggregate classification (germline): Uncertain significance (1 of 4 stars; one submission).

gnomAD v4.1: 1 of 1,399,352 alleles (0.000071%); highest among the groups gnomAD compares: Non-Finnish European, 0.000093%; no homozygotes.

Submission:

Labcorp Genetics (formerly Invitae), Labcorp
Classification: Uncertain significance. Last evaluated: 2023-07-10. Review status: criteria provided, single submitter. Criteria: Invitae Variant Classification Sherloc (09022015). Collection method: clinical testing. Allele origin: germline.
Comment: In summary, the available evidence is currently insufficient to determine the role of this variant in disease. Therefore, it has been classified as a Variant of Uncertain Significance. Advanced modeling of protein sequence and biophysical properties (such as structural, functional, and spatial information, amino acid conservation, physicochemical variation, residue mobility, and thermodynamic stability) performed at Invitae indicates that this missense variant is not expected to disrupt COL9A3 protein function. ClinVar contains an entry for this variant (Variation ID: 1716531). This sequence change replaces leucine, which is neutral and non-polar, with methionine, which is neutral and non-polar, at codon 20 of the COL9A3 protein (p.Leu20Met). This variant is not present in population databases (gnomAD no frequency). This variant has not been reported in the literature in individuals affected with COL9A3-related conditions.

NM_001853.4(COL9A3):c.58C>A (p.Leu20Met)

Gene: COL9A3 (collagen type IX alpha 3 chain; plus strand). Cytogenetic location: 20q13.33.
Variant type: single nucleotide variant.
Coding change: c.58C>A on transcript NM_001853.4 (MANE Select); coding-DNA position 58, C replaced by A.
Protein change: p.Leu20Met; replaces leucine 20 with methionine.
Molecular consequence: missense variant.
Genome position (GRCh38, 1-based): chr20:62,817,122, C>A. VCF-style: chr20-62817122-C-A. GRCh37 (hg19) VCF-style: chr20-61448474-C-A.
Other names: short protein forms L20M.
Identifiers: ClinVar variation 1716531 (VCV001716531.5), dbSNP rs2516015931, ClinGen allele CA409586886.
Genomic context (GRCh38, chr20:62,817,122, plus strand): 5'-GCCATGGCCGGGCCGCGCGCGTGCGCCCCGCTCCTGCTCCTGCTCCTGCTCGGGGAGCTT[C>A]TGGCGGCCGCCGGGGCGCAGGTGAGCGCGAGCTCCGGGCTCTGAGGCTGGACGTGGAGCC-3'
Protein context (NP_001844.3, residues 10-30): LLLLLLLGEL[Leu20Met]AAAGAQRVGL